The following is an entry in ClinVar:

NM_130384.3(ATRIP):c.2113G>C (p.Gly705Arg)

Genes: ATRIP (ATR interacting protein; plus strand), ATRIP-TREX1 (ATRIP-TREX1 readthrough; plus strand). Cytogenetic location: 3p21.31.
Variant type: single nucleotide variant.
Coding change: c.2113G>C on transcript NM_130384.3 (MANE Select); coding-DNA position 2113, G replaced by C.
Protein change: p.Gly705Arg; replaces glycine 705 with arginine.
Molecular consequence: missense variant. On other transcripts: non-coding transcript variant (1).
Genome position (GRCh38, 1-based): chr3:48,464,888, G>C. VCF-style: chr3-48464888-G-C. GRCh37 (hg19) VCF-style: chr3-48506287-G-C.
Other names: c.1732G>C, p.Gly578Arg (NM_001271022.2); c.1834G>C, p.Gly612Arg (NM_001271023.2); c.2032G>C, p.Gly678Arg (NM_032166.4); short protein forms G612R, G578R, G678R, G705R.
Identifiers: ClinVar variation 4644515 (VCV004644515.1).

ClinVar aggregate classification (germline): Uncertain significance (1 of 4 stars; one submission).

gnomAD v4.1: 3 of 1,613,952 alleles (0.00019%); highest among the groups gnomAD compares: Non-Finnish European, 0.00025%; no homozygotes.

Submission:

Ambry Genetics
Classification: Uncertain significance. Last evaluated: 2025-09-25. Review status: criteria provided, single submitter. Criteria: Ambry Variant Classification Scheme 2023. Collection method: clinical testing. Allele origin: germline.
Comment: The p.G705R variant (also known as c.2113G>C), located in coding exon 12 of the ATRIP gene, results from a G to C substitution at nucleotide position 2113. The glycine at codon 705 is replaced by arginine, an amino acid with dissimilar properties. This amino acid position is conserved. In addition, this alteration is predicted to be tolerated by in silico analysis. Based on the available evidence, the clinical significance of this variant remains unclear.